The following is an entry in ClinVar:

NM_006593.4(TBR1):c.913T>C (p.Ser305Pro)

Gene: TBR1 (T-box brain transcription factor 1; plus strand). Cytogenetic location: 2q24.2.
Variant type: single nucleotide variant.
Coding change: c.913T>C on transcript NM_006593.4 (MANE Select); coding-DNA position 913, T replaced by C.
Protein change: p.Ser305Pro; replaces serine 305 with proline.
Molecular consequence: missense variant.
Genome position (GRCh38, 1-based): chr2:161,418,266, T>C. VCF-style: chr2-161418266-T-C. GRCh37 (hg19) VCF-style: chr2-162274777-T-C.
Other names: short protein forms S305P.
Identifiers: ClinVar variation 2431841 (VCV002431841.1), dbSNP rs1684166614, ClinGen allele CA349212509.

ClinVar aggregate classification (germline): Uncertain significance (1 of 4 stars; one submission).

Conditions:
Intellectual developmental disorder with autism and speech delay. Also called: Autism 5; AUTISM-RELATED SPEECH DELAY; PHRASE SPEECH DELAY, AUTISM-RELATED; Autism, susceptibility to, 5; AUTS5. Identifiers: MedGen C1853755, MONDO:0011627, OMIM 606053.

Submission:

Laboratorio de Genetica e Diagnostico Molecular, Hospital Israelita Albert Einstein
Classification: Uncertain significance for Intellectual developmental disorder with autism and speech delay. Last evaluated: 2022-09-02. Review status: criteria provided, single submitter. Criteria: ACMG Guidelines, 2015. Collection method: clinical testing. Allele origin: germline. Affected: yes. Observed: 1 variant allele.
Comment: ACMG classification criteria: PM2 moderated, PP3 supporting